The following is an entry in ClinVar:

ClinVar aggregate classification (germline): Pathogenic. Review status: reviewed by expert panel (3 of 4 stars). 11 submissions from 11 submitters: Pathogenic (1). 10 of the submissions do not count toward it. Last evaluated 2024-02-09.

Conditions:
Thrombophilia, X-linked, due to factor 9 defect. Identifiers: MedGen C2749016, MONDO:0010432, OMIM 300807.
Hereditary factor IX deficiency disease (HEMB). Also called: F9 DEFICIENCY; FACTOR IX DEFICIENCY; Christmas Disease; PLASMA THROMBOPLASTIN COMPONENT DEFICIENCY; Hemophilia B. Identifiers: Orphanet 98879, MedGen C0008533, MeSH D002836, MONDO:0010604, OMIM 306900.
F9-related disorder. Also called: F9-related condition.
Warfarin sensitivity, X-linked. Also called: COUMARIN SENSITIVITY, X-LINKED. Identifiers: MedGen C5393318, OMIM 301052, MONDO:0026768.

Allele frequency attached by ClinVar (database versions not stated): gnomAD exomes 0.00001; gnomAD 0.00004.
gnomAD v4.1: 12 of 1,198,985 alleles (0.001%); highest among the groups gnomAD compares: Admixed American, 0.0044%; no homozygotes.

Submissions 1 to 8 of 11:

ClinGen Coagulation Factor Deficiency Variant Curation Expert Panel, Clingen
Classification: Pathogenic for Hereditary factor IX deficiency disease. Last evaluated: 2024-02-09. Review status: reviewed by expert panel. Criteria: ClinGen CoagFactor ACMG Specifications F9 V1.0.0. Collection method: curation. Allele origin: germline. Inheritance: X-linked inheritance.
Comment: The c.316G>A (p.Gly106Ser) variant affects one of the functional domains (aa 93-129; EGF-like 1 domain) in the F9 protein, meeting the PM1 criteria. This missense variant has a REVEL score of 0.905(>0.6), meeting the PP3 criteria. It is reported at an MAF of 0.00002441 (5/204867 alleles) in the overall population in gnomAD v2.1.1, with 3 hemizygotes; however BS1 criteria of MAF >=0.0000278 is not met. Over 60 patients with mild and moderate hemophilia B are reported in the literature meeting PS4_Very strong and PP4_Moderate criteria (PMID: 22103590, 29296726). In summary, the clinical significance of this variant is pathogenic. ACMG/AMP criteria applied, as specified by the Coagulation Factor Deficiency Variant Curation Expert Panel for F9: PS4_Very strong, PM1, PP4_Moderate, PP3.

Labcorp Genetics (formerly Invitae), Labcorp
Classification: Pathogenic for Thrombophilia, X-linked, due to factor 9 defect; Hereditary factor IX deficiency disease. Last evaluated: 2026-01-08. Review status: criteria provided, single submitter. Criteria: Invitae Variant Classification Sherloc (09022015). Collection method: clinical testing. Allele origin: germline. Not counted in ClinVar's aggregate classification.
Comment: This sequence change replaces glycine, which is neutral and non-polar, with serine, which is neutral and polar, at codon 106 of the F9 protein (p.Gly106Ser). This variant is present in population databases (rs137852233, gnomAD 0.01%). This missense change has been observed in individuals with mild hemophilia B (PMID: 2472424, 19699296, 22639855). It has also been observed to segregate with disease in related individuals. This variant is also known as Gly60Ser, 10430G>A, and FIX Durham. ClinVar contains an entry for this variant (Variation ID: 10579). Invitae Evidence Modeling of protein sequence and biophysical properties (such as structural, functional, and spatial information, amino acid conservation, physicochemical variation, residue mobility, and thermodynamic stability) indicates that this missense variant is not expected to disrupt F9 protein function with a negative predictive value of 80%. Experimental studies are conflicting or provide insufficient evidence to determine the effect of this variant on F9 function (PMID: 9525872). Algorithms developed to predict the effect of sequence changes on RNA splicing suggest that this variant may disrupt the consensus splice site. For these reasons, this variant has been classified as Pathogenic.

Natera, Inc.
Classification: Pathogenic for Hemophilia B. Last evaluated: 2025-11-22. Review status: criteria provided, single submitter. Criteria: Natera Variant Classification Schema (03/2026). Collection method: clinical testing. Allele origin: germline. Not counted in ClinVar's aggregate classification.
Comment: The c.316G>A variant in F9 is a missense variant predicted to cause substitution of glycine to serine at amino acid 106. This variant is rare in the general population with a frequency below the threshold expected for the associated phenotype(s). This variant has been observed in at least one unaffected individual, with a zygosity that is consistent with the inheritance pattern for the associated condition (in gnomAD and/or literature). This variant has been observed in affected individual(s) with monoallelic occurrence (heterozygous/hemizygous) (PMID: 18479429, 1972560, 24375831, 2472424, 28750473). Additionally, this variant has been observed to segregate in affected family members (PMID: 2472424, 28750473). Functional studies show that this variant may disrupt protein function (PMID: 1916816). Computational prediction algorithms indicate this variant is likely to affect gene or protein function. Given the available evidence, this variant is classified as Pathogenic.

Mayo Clinic Laboratories, Mayo Clinic
Classification: Pathogenic. Last evaluated: 2024-10-25. Review status: criteria provided, single submitter. Criteria: ACMG Guidelines, 2015. Collection method: clinical testing. Allele origin: germline. Observed: 8 variant alleles. Not counted in ClinVar's aggregate classification.
Comment: PP3, PP5, PM1_supporting, PM5, PS3, PS4_moderate

Women's Health and Genetics/Laboratory Corporation of America, LabCorp
Classification: Pathogenic for Hereditary factor IX deficiency disease. Last evaluated: 2024-09-25. Review status: criteria provided, single submitter. Criteria: LabCorp Variant Classification Summary - May 2015. Collection method: clinical testing. Allele origin: germline. Not counted in ClinVar's aggregate classification.
Comment: Variant summary: F9 c.316G>A (p.Gly106Ser) results in a non-conservative amino acid change located in the EGF-like domain (IPR000742) of the encoded protein sequence. Five of five in-silico tools predict a damaging effect of the variant on protein function. The variant allele was found at a frequency of 1.1e-05 in 183001 control chromosomes. c.316G>A has been reported in the literature in multiple individuals affected with Factor IX Deficiency (Hemophilia B) and segregated with disease (Li_2014, Chen_1989). These data indicate that the variant is very likely to be associated with disease. At least one publication reports experimental evidencethat this variant results in defective folding of calcium-binding epidermal growth factor-like domains (Whiteman_1998). This variant is also known as Gly60Ser, 10430G>A, and FIX Durham. The following publications have been ascertained in the context of this evaluation (PMID: 2472424, 24375831, 11278305). ClinVar contains an entry for this variant (Variation ID: 10579). Based on the evidence outlined above, the variant was classified as pathogenic.

Genetics and Molecular Pathology, SA Pathology
Classification: Pathogenic for Hereditary factor IX deficiency disease. Last evaluated: 2023-07-27. Review status: criteria provided, single submitter. Criteria: ACMG Guidelines, 2015. Collection method: clinical testing. Allele origin: germline. Inheritance: X-linked recessive inheritance. Affected: yes. Not counted in ClinVar's aggregate classification.
Comment: The F9 c.316G>A missense variant has been classified as Pathogenic (PS4_Strong, PP3, PS3_Moderate, PP1_Moderate, PP4). The c.316G>A variant is a single nucleotide change in exon 4/8 of the F9 gene, which is predicted to change the amino acid glycine at position 106 in the protein to serine. This variant is in gnomAD at very low frequency (0.003%, allele count 4/111504, 2 hemizygous) and has been reported in numerous affected individuals with mild haemophilia B (PMID:22639855, 35842956, and 2472424) (PS4_strong). Note that this variant has been previously reported in the literature as p.Gly60Ser. Computational data predicts a deleterious effect (PP3). This variant is located in the functional cbEGF domain and has been predicted to affect protein folding (PMID: 9525872) (PS3_moderate). The variant has been shown to segregate with disease in 2 patients and a proband from 2 families (PMID: 2472424, 3651597) and has been reported to have been found in at least 5 generations (PP1_Moderate). The patient's family history and FIX bioassay levels are consistent with the specific gene aetiology (PP4). This variant is a missense change at an amino acid residue where different missense changes have been seen before: p.Gly106Arg (CM940467), p.Gly106Asp (CM940465), p.Gly106Cys (CM960576). This variant has been reported in dbSNP (rs137852233), HGMD as disease causing (CM940466) and in ClinVar as pathogenic (ClinVar variant ID: 10579).

Mendelics
Classification: Pathogenic for Thrombophilia, X-linked, due to factor 9 defect. Last evaluated: 2022-05-04. Review status: criteria provided, single submitter. Criteria: Mendelics Assertion Criteria 2019. Collection method: clinical testing. Allele origin: germline. Not counted in ClinVar's aggregate classification.

Fulgent Genetics
Classification: Pathogenic for Thrombophilia, X-linked, due to factor 9 defect; Warfarin sensitivity, X-linked; Hereditary factor IX deficiency disease. Last evaluated: 2021-09-18. Review status: criteria provided, single submitter. Criteria: ACMG Guidelines, 2015. Collection method: clinical testing. Allele origin: unknown. Not counted in ClinVar's aggregate classification.

NM_000133.4(F9):c.316G>A (p.Gly106Ser)

Gene: F9 (coagulation factor IX; plus strand). Cytogenetic location: Xq27.1.
Variant type: single nucleotide variant.
Coding change: c.316G>A on transcript NM_000133.4 (MANE Select); coding-DNA position 316, G replaced by A.
Protein change: p.Gly106Ser; replaces glycine 106 with serine.
Molecular consequence: missense variant. On other transcripts: intron variant (1).
Genome position (GRCh38, 1-based): chrX:139,541,114, G>A. VCF-style: chrX-139541114-G-A. GRCh37 (hg19) VCF-style: chrX-138623273-G-A.
Other names: F9, GLY60SER; G60S; NM_000133.3(F9):c.316G>A; c.277+3728G>A (NM_001313913.2); short protein forms G106S.
Identifiers: ClinVar variation 10579 (VCV000010579.34), dbSNP rs137852233, ClinGen allele CA255329.